The following is an entry in ClinVar:

ClinVar aggregate classification (germline): Uncertain significance. Review status: criteria provided, multiple submitters, no conflicts (2 of 4 stars). 2 submissions from 2 submitters: Uncertain significance (2). Last evaluated 2024-09-12.

Conditions:
Hereditary cancer-predisposing syndrome. Also called: Tumor predisposition; Hereditary neoplastic syndrome; Neoplastic Syndromes, Hereditary; Hereditary Cancer Syndrome. Identifiers: Orphanet 140162, MedGen C0027672, MeSH D009386, MONDO:0015356.

Allele frequency attached by ClinVar (database versions not stated): gnomAD 0.00001; TOPMed 0.00001.
gnomAD v4.1: 1 of 1,614,084 alleles (0.000062%); highest among the groups gnomAD compares: African/African-American, 0.0013%; no homozygotes.

Submissions (2):

Labcorp Genetics (formerly Invitae), Labcorp
Classification: Uncertain significance. Last evaluated: 2024-09-12. Review status: criteria provided, single submitter. Criteria: Invitae Variant Classification Sherloc (09022015). Collection method: clinical testing. Allele origin: germline.
Comment: This sequence change replaces arginine, which is basic and polar, with leucine, which is neutral and non-polar, at codon 300 of the CTNNA1 protein (p.Arg300Leu). This variant is not present in population databases (gnomAD no frequency). This variant has not been reported in the literature in individuals affected with CTNNA1-related conditions. ClinVar contains an entry for this variant (Variation ID: 1499284). Invitae Evidence Modeling of protein sequence and biophysical properties (such as structural, functional, and spatial information, amino acid conservation, physicochemical variation, residue mobility, and thermodynamic stability) indicates that this missense variant is not expected to disrupt CTNNA1 protein function with a negative predictive value of 80%. In summary, the available evidence is currently insufficient to determine the role of this variant in disease. Therefore, it has been classified as a Variant of Uncertain Significance.

Ambry Genetics
Classification: Uncertain significance for Hereditary cancer-predisposing syndrome. Last evaluated: 2021-12-06. Review status: criteria provided, single submitter. Criteria: Ambry Variant Classification Scheme 2023. Collection method: clinical testing. Allele origin: germline.
Comment: The p.R300L variant (also known as c.899G>T), located in coding exon 6 of the CTNNA1 gene, results from a G to T substitution at nucleotide position 899. The arginine at codon 300 is replaced by leucine, an amino acid with dissimilar properties. This amino acid position is conserved. In addition, the in silico prediction for this alteration is inconclusive. Since supporting evidence is limited at this time, the clinical significance of this alteration remains unclear.

NM_001903.5(CTNNA1):c.899G>T (p.Arg300Leu)

Gene: CTNNA1 (catenin alpha 1; plus strand). Cytogenetic location: 5q31.2.
Variant type: single nucleotide variant.
Coding change: c.899G>T on transcript NM_001903.5 (MANE Select); coding-DNA position 899, G replaced by T.
Protein change: p.Arg300Leu; replaces arginine 300 with leucine.
Molecular consequence: missense variant.
Genome position (GRCh38, 1-based): chr5:138,827,555, G>T. VCF-style: chr5-138827555-G-T. GRCh37 (hg19) VCF-style: chr5-138163244-G-T.
Other names: c.899G>T, p.Arg300Leu (NM_001290307.3, NM_001323982.2, NM_001323983.1 and 3 more transcripts); c.590G>T, p.Arg197Leu (NM_001290309.3); c.530G>T, p.Arg177Leu (NM_001290310.3); short protein forms R177L, R197L, R300L.
Identifiers: ClinVar variation 1499284 (VCV001499284.10), dbSNP rs369518072, ClinGen allele CA361130772.